The following is an entry in ClinVar:

ClinVar aggregate classification (germline): Pathogenic/Likely pathogenic. Review status: criteria provided, multiple submitters, no conflicts (2 of 4 stars). 3 submissions from 3 submitters: Pathogenic (2); Likely pathogenic (1). Last evaluated 2025-07-18.

Conditions:
Neurodevelopmental disorder with involuntary movements (NEDIM). Identifiers: Orphanet 592564, MedGen C4479569, MONDO:0060491, OMIM 617493.
Developmental and epileptic encephalopathy, 17 (DEE17). Also called: Early infantile epileptic encephalopathy 17. Identifiers: Orphanet 1934, MedGen C3809606, MONDO:0014199, OMIM 615473.

Submissions (3):

Institute of Human Genetics, University of Leipzig Medical Center
Classification: Pathogenic for Neurodevelopmental disorder with involuntary movements. Last evaluated: 2025-07-18. Review status: criteria provided, single submitter. Criteria: ACMG Guidelines, 2015. Collection method: clinical testing. Allele origin: de novo. Inheritance: Autosomal dominant inheritance. Affected: yes.
Comment: Criteria applied: PS2,PS4_MOD,PM2,PP2,PP3

GeneDx
Classification: Pathogenic. Last evaluated: 2025-06-24. Review status: criteria provided, single submitter. Criteria: GeneDx Variant Classification Process June 2021. Collection method: clinical testing. Allele origin: germline. Affected: yes.
Comment: Not observed at significant frequency in large population cohorts (gnomAD); In silico analysis supports that this missense variant has a deleterious effect on protein structure/function; Has not been previously published as pathogenic or benign to our knowledge; This variant is associated with the following publications: (PMID: 33726816)

Institute of Immunology and Genetics Kaiserslautern
Classification: Likely pathogenic for Developmental and epileptic encephalopathy, 17; Neurodevelopmental disorder with involuntary movements. Last evaluated: 2024-04-25. Review status: criteria provided, single submitter. Criteria: ACMG Guidelines, 2015. Collection method: clinical testing. Allele origin: de novo. Affected: yes.
Comment: ACMG Criteria: PM2, PP3, PP2, PS2; Variant was found in heterozygous state

NM_020988.3(GNAO1):c.1054G>A (p.Gly352Ser)

Gene: GNAO1 (G protein subunit alpha o1; plus strand). Cytogenetic location: 16q13.
Variant type: single nucleotide variant.
Coding change: c.1054G>A on transcript NM_020988.3 (MANE Select); coding-DNA position 1054, G replaced by A.
Protein change: p.Gly352Ser; replaces glycine 352 with serine.
Molecular consequence: missense variant.
Genome position (GRCh38, 1-based): chr16:56,355,042, G>A. VCF-style: chr16-56355042-G-A. GRCh37 (hg19) VCF-style: chr16-56388954-G-A.
Other names: c.1054G>A (NM_020988.2); short protein forms G352S.
Identifiers: ClinVar variation 3235074 (VCV003235074.3), dbSNP rs2543432234, ClinGen allele CA395955442.
Genomic context (GRCh38, chr16:56,355,042, plus strand): 5'-ATCCAGGTGGTGTTCGACGCCGTCACCGACATCATCATTGCCAACAACCTCCGGGGCTGC[G>A]GCTTGTACTGACCTCTTGTCCTGTATAGCAACCTATTTGGTAATGATTCCAGCACCCACA-3'
Protein context (NP_066268.1, residues 342-354): IIIANNLRGC[Gly352Ser]LY